The following is an entry in ClinVar:

ClinVar aggregate classification (germline): Conflicting classifications of pathogenicity. Review status: criteria provided, conflicting classifications (1 of 4 stars). 6 submissions from 6 submitters: Uncertain significance (1); Benign (2); Likely benign (3). Last evaluated 2026-09-01.

Conditions:
Mitochondrial complex I deficiency, nuclear type 1. Also called: NADH-COENZYME Q REDUCTASE DEFICIENCY; MITOCHONDRIAL NADH DEHYDROGENASE COMPONENT OF COMPLEX I, DEFICIENCY OF. Identifiers: MedGen C6022305, MONDO:0100224, OMIM 252010.

Allele frequency attached by ClinVar (database versions not stated): TOPMed 0.00083; ExAC 0.00095; gnomAD 0.00104 and 0.00111; gnomAD exomes 0.00106 and 0.00147; ESP Exome Variant Server 0.00162.
gnomAD v4.1: 2,274 of 1,612,934 alleles (0.14%); highest among the groups gnomAD compares: Non-Finnish European, 0.16%; 1 homozygote.

Submissions (6):

CeGaT Center for Human Genetics Tuebingen
Classification: Likely benign. Last evaluated: 2026-09-01. Review status: criteria provided, single submitter. Criteria: CeGaT Center For Human Genetics Tuebingen Variant Classification Criteria Version 2. Collection method: clinical testing. Allele origin: germline. Affected: yes. Observed: 4 variant alleles.
Comment: FOXRED1: BP4, BP7

Labcorp Genetics (formerly Invitae), Labcorp
Classification: Benign. Last evaluated: 2026-02-01. Review status: criteria provided, single submitter. Criteria: Invitae Variant Classification Sherloc (09022015). Collection method: clinical testing. Allele origin: germline.

Mayo Clinic Laboratories, Mayo Clinic
Classification: Likely benign. Last evaluated: 2025-03-07. Review status: criteria provided, single submitter. Criteria: ACMG Guidelines, 2015. Collection method: clinical testing. Allele origin: germline. Observed: 2 variant alleles.
Comment: BS1, BP4, BP7

Blueprint Genetics
Classification: Likely benign. Last evaluated: 2024-11-26. Review status: criteria provided, single submitter. Criteria: ACMG Guidelines, 2015. Collection method: clinical testing. Allele origin: germline.

Illumina Laboratory Services, Illumina
Classification: Uncertain significance for Mitochondrial complex I deficiency, nuclear type 1. Last evaluated: 2018-01-13. Review status: criteria provided, single submitter. Criteria: ICSL Variant Classification Criteria 13 December 2019. Collection method: clinical testing. Allele origin: germline.

GeneDx
Classification: Benign. Last evaluated: 2014-07-16. Review status: criteria provided, single submitter. Criteria: GeneDx Variant Classification (06012015). Collection method: clinical testing. Allele origin: germline. Affected: yes.
Comment: This variant is considered likely benign or benign based on one or more of the following criteria: it is a conservative change, it occurs at a poorly conserved position in the protein, it is predicted to be benign by multiple in silico algorithms, and/or has population frequency not consistent with disease.

NM_017547.4(FOXRED1):c.435C>T (p.Val145=)

Gene: FOXRED1 (FAD dependent oxidoreductase domain containing 1; plus strand). Cytogenetic location: 11q24.2.
Variant type: single nucleotide variant.
Coding change: c.435C>T on transcript NM_017547.4 (MANE Select); coding-DNA position 435, C replaced by T.
Protein change: p.Val145=; no amino-acid change (valine 145 retained).
Molecular consequence: synonymous variant. On other transcripts: non-coding transcript variant (2).
Genome position (GRCh38, 1-based): chr11:126,273,353, C>T. VCF-style: chr11-126273353-C-T. GRCh37 (hg19) VCF-style: chr11-126143248-C-T.
Other names: p.V145V:GTC>GTT; p.Val145=.
Identifiers: ClinVar variation 214437 (VCV000214437.50), dbSNP rs147235743, ClinGen allele CA324846.